The following is an entry in ClinVar:

NM_000535.7(PMS2):c.1602C>G (p.Asp534Glu)

Gene: PMS2 (PMS1 homolog 2, mismatch repair system component; minus strand). Cytogenetic location: 7p22.1.
Variant type: single nucleotide variant.
Coding change: c.1602C>G on transcript NM_000535.7 (MANE Select); coding-DNA position 1602, C replaced by G.
Protein change: p.Asp534Glu; replaces aspartic acid 534 with glutamic acid.
Molecular consequence: missense variant. On other transcripts: non-coding transcript variant (1).
Genome position (GRCh38, 1-based): chr7:5,987,163, G>C on the plus strand (C>G on the coding strand, the complement: PMS2 is on the minus strand). VCF-style: chr7-5987163-G-C. GRCh37 (hg19) VCF-style: chr7-6026794-G-C.
Other names: c.1197C>G, p.Asp399Glu (NM_001322003.2, NM_001322004.2, NM_001322005.2 and 1 more transcripts); c.1446C>G, p.Asp482Glu (NM_001322006.2); c.1284C>G, p.Asp428Glu (NM_001322007.2, NM_001322008.2); c.1041C>G, p.Asp347Glu (NM_001322010.2); c.669C>G, p.Asp223Glu (NM_001322011.2, NM_001322012.2); c.1029C>G, p.Asp343Glu (NM_001322013.2); c.1602C>G, p.Asp534Glu (NM_001322014.2); c.1293C>G, p.Asp431Glu (NM_001322015.2); short protein forms D534E, D343E, D347E, D428E, D223E, D399E, D431E, D482E.
Identifiers: ClinVar variation 484280 (VCV000484280.16), dbSNP rs1554297497, ClinGen allele CA366741503.

ClinVar aggregate classification (germline): Conflicting classifications of pathogenicity. Review status: criteria provided, conflicting classifications (1 of 4 stars). 4 submissions from 4 submitters: Uncertain significance (2); Likely benign (2). Last evaluated 2025-12-21.

Conditions:
Hereditary nonpolyposis colorectal neoplasms. Identifiers: MedGen C0009405, MeSH D003123.
Hereditary cancer-predisposing syndrome. Also called: Neoplastic Syndromes, Hereditary; Tumor predisposition; Hereditary Cancer Syndrome; Hereditary neoplastic syndrome. Identifiers: Orphanet 140162, MedGen C0027672, MeSH D009386, MONDO:0015356.

Allele frequency attached by ClinVar (database versions not stated): gnomAD exomes below 0.00001; TOPMed below 0.00001; gnomAD 0.00001.
gnomAD v4.1: 3 of 1,613,702 alleles (0.00019%); highest among the groups gnomAD compares: Non-Finnish European, 0.00025%; no homozygotes.

Submissions (4):

Labcorp Genetics (formerly Invitae), Labcorp
Classification: Uncertain significance for Hereditary nonpolyposis colorectal neoplasms. Last evaluated: 2025-12-21. Review status: criteria provided, single submitter. Criteria: Invitae Variant Classification Sherloc (09022015). Collection method: clinical testing. Allele origin: germline.
Comment: This sequence change replaces aspartic acid, which is acidic and polar, with glutamic acid, which is acidic and polar, at codon 534 of the PMS2 protein (p.Asp534Glu). This variant is not present in population databases (gnomAD no frequency). This variant has not been reported in the literature in individuals affected with PMS2-related conditions. ClinVar contains an entry for this variant (Variation ID: 484280). Invitae Evidence Modeling incorporating data from in vitro experimental studies (internal data) indicates that this missense variant is not expected to disrupt PMS2 function with a negative predictive value of 95%. Experimental studies have shown that this missense change does not substantially affect PMS2 function (PMID: 35451539). In summary, the available evidence is currently insufficient to determine the role of this variant in disease. Therefore, it has been classified as a Variant of Uncertain Significance.

Center for Genomic Medicine, Rigshospitalet, Copenhagen University Hospital
Classification: Likely benign. Last evaluated: 2025-03-04. Review status: criteria provided, single submitter. Criteria: ACMG Guidelines, 2015. Collection method: clinical testing. Allele origin: germline.

Color Diagnostics, LLC DBA Color Health
Classification: Uncertain significance for Hereditary cancer-predisposing syndrome. Last evaluated: 2023-05-01. Review status: criteria provided, single submitter. Criteria: ACMG Guidelines, 2015. Collection method: clinical testing. Allele origin: germline.
Comment: This missense variant replaces aspartic acid with glutamic acid at codon 534 of the PMS2 protein. Computational prediction suggests that this variant may not impact protein structure and function (internally defined REVEL score threshold <= 0.5, PMID: 27666373). To our knowledge, functional studies have not been reported for this variant. This variant has not been reported in individuals affected with PMS2-related disorders in the literature. This variant has not been identified in the general population by the Genome Aggregation Database (gnomAD). The available evidence is insufficient to determine the role of this variant in disease conclusively. Therefore, this variant is classified as a Variant of Uncertain Significance.

Ambry Genetics
Classification: Likely benign for Hereditary cancer-predisposing syndrome. Last evaluated: 2016-06-20. Review status: criteria provided, single submitter. Criteria: Ambry Variant Classification Scheme 2023. Collection method: clinical testing. Allele origin: germline.

Literature cited by the submitters: PubMed 35451539 (cited by Labcorp Genetics (formerly Invitae), Labcorp and Center for Genomic Medicine, Rigshospitalet, Copenhagen University Hospital).